The following is an entry in ClinVar:

ClinVar aggregate classification (germline): Uncertain significance (1 of 4 stars; one submission).

Allele frequency attached by ClinVar (database versions not stated): gnomAD exomes 0.00001; ExAC 0.00002; TOPMed 0.00003; gnomAD 0.00004; ESP Exome Variant Server 0.00008.

Submission:

Labcorp Genetics (formerly Invitae), Labcorp
Classification: Uncertain significance. Last evaluated: 2022-04-01. Review status: criteria provided, single submitter. Criteria: Invitae Variant Classification Sherloc (09022015). Collection method: clinical testing. Allele origin: germline.
Comment: This sequence change falls in intron 14 of the ERCC6 gene. It does not directly change the encoded amino acid sequence of the ERCC6 protein. It affects a nucleotide within the consensus splice site. This variant is present in population databases (rs755847436, gnomAD 0.02%). This variant has not been reported in the literature in individuals affected with ERCC6-related conditions. Variants that disrupt the consensus splice site are a relatively common cause of aberrant splicing (PMID: 17576681, 9536098). Algorithms developed to predict the effect of sequence changes on RNA splicing suggest that this variant is not likely to affect RNA splicing. In summary, the available evidence is currently insufficient to determine the role of this variant in disease. Therefore, it has been classified as a Variant of Uncertain Significance.

Literature cited by the submitters: PubMed 17576681; PubMed 9536098.

NM_000124.4(ERCC6):c.2709+6_2709+7del

Gene: ERCC6 (ERCC excision repair 6, chromatin remodeling factor; minus strand). Cytogenetic location: 10q11.23.
Variant type: Deletion.
Coding change: c.2709+6_2709+7del on transcript NM_000124.4 (MANE Select); bases 6 to 7 of the intron after coding-DNA position 2709, 2 bases deleted (AT; older notation c.2709+6_2709+7delAT).
Molecular consequence: intron variant.
Genome position (GRCh38, 1-based): chr10:49,473,470-49,473,471, AT deleted on the plus strand (AT on the coding strand, the reverse complement: ERCC6 is on the minus strand). VCF-style (leftmost placement, unchanged base first): chr10-49473469-CAT-C. GRCh37 (hg19) VCF-style: chr10-50681515-CAT-C.
Other names: c.2709+6_2709+7del (NM_001346440.2).
Identifiers: ClinVar variation 2162494 (VCV002162494.1), dbSNP rs755847436, ClinGen allele CA5495575.
Genomic context (GRCh38, chr10:49,473,469, plus strand): 5'-ATACGCTTAGTCCTTTCCCTCCACGTACAGCAGCACCACTCAACTTCCCTGTTACATTCA[CAT>C]GTTACCTCATTGTATCTCGTAATCAGTGGCTGTCTTGAAGCTATTGTAGTGGTACCATCC-3'